The following is an entry in ClinVar:

ClinVar aggregate classification (germline): Benign. Review status: criteria provided, single submitter (1 of 4 stars). 2 submissions from 2 submitters: Benign (1). 1 of the submissions does not count toward it. Last evaluated 2025-10-07.

Conditions:
IGF1R-related disorder. Also called: IGF1R-related condition.

Allele frequency attached by ClinVar (database versions not stated): ExAC 0.00007; gnomAD 0.00030 and 0.00035; TOPMed 0.00035; ESP Exome Variant Server 0.00038.
gnomAD v4.1: 74 of 1,613,912 alleles (0.0046%); highest among the groups gnomAD compares: African/African-American, 0.081%; no homozygotes.

Submissions (2):

Labcorp Genetics (formerly Invitae), Labcorp
Classification: Benign. Last evaluated: 2025-10-07. Review status: criteria provided, single submitter. Criteria: Invitae Variant Classification Sherloc (09022015). Collection method: clinical testing. Allele origin: germline.

PreventionGenetics, part of Exact Sciences
Classification: Likely benign for IGF1R-related condition. Last evaluated: 2023-11-06. Review status: no assertion criteria provided. Collection method: clinical testing. Allele origin: germline. Not counted in ClinVar's aggregate classification.
Comment: This variant is classified as likely benign based on ACMG/AMP sequence variant interpretation guidelines (Richards et al. 2015 PMID: 25741868, with internal and published modifications).

NM_000875.5(IGF1R):c.588C>G (p.Thr196=)

Gene: IGF1R (insulin like growth factor 1 receptor; plus strand). Cytogenetic location: 15q26.3.
Variant type: single nucleotide variant.
Coding change: c.588C>G on transcript NM_000875.5 (MANE Select); coding-DNA position 588, C replaced by G.
Protein change: p.Thr196=; no amino-acid change (threonine 196 retained).
Molecular consequence: synonymous variant.
Genome position (GRCh38, 1-based): chr15:98,708,055, C>G. VCF-style: chr15-98708055-C-G. GRCh37 (hg19) VCF-style: chr15-99251284-C-G.
Other names: c.588C>G (NM_000875.4); c.588C>G, p.Thr196= (NM_001291858.2).
Identifiers: ClinVar variation 1665363 (VCV001665363.10), dbSNP rs139571991, ClinGen allele CA7751822.
Genomic context (GRCh38, chr15:98,708,055, plus strand): 5'-GGAATGTGGGGACCTGTGTCCAGGGACCATGGAGGAGAAGCCGATGTGTGAGAAGACCAC[C>G]ATCAACAATGAGTACAACTACCGCTGCTGGACCACAAACCGCTGCCAGAAAAGTAAGAAT-3'
Protein context (NP_000866.1, residues 186-206): MEEKPMCEKT[Thr196=]INNEYNYRCW